The following is an entry in ClinVar:

NM_007118.4(TRIO):c.7609G>A (p.Val2537Met)

Gene: TRIO (trio Rho guanine nucleotide exchange factor; plus strand). Cytogenetic location: 5p15.2.
Variant type: single nucleotide variant.
Coding change: c.7609G>A on transcript NM_007118.4 (MANE Select); coding-DNA position 7609, G replaced by A.
Protein change: p.Val2537Met; replaces valine 2537 with methionine.
Molecular consequence: missense variant.
Genome position (GRCh38, 1-based): chr5:14,488,237, G>A. VCF-style: chr5-14488237-G-A. GRCh37 (hg19) VCF-style: chr5-14488346-G-A.
Other names: short protein forms V2537M.
Identifiers: ClinVar variation 1342808 (VCV001342808.3), dbSNP rs763589608, ClinGen allele CA359237796.

ClinVar aggregate classification (germline): Uncertain significance (1 of 4 stars; one submission).

gnomAD v4.1: 1 of 1,582,694 alleles (0.000063%); highest among the groups gnomAD compares: Non-Finnish European, 0.000085%; no homozygotes.

Submission:

GeneDx
Classification: Uncertain significance. Last evaluated: 2023-07-05. Review status: criteria provided, single submitter. Criteria: GeneDx Variant Classification Process June 2021. Collection method: clinical testing. Allele origin: germline. Affected: yes.
Comment: Not observed at significant frequency in large population cohorts (gnomAD); In silico analysis supports that this missense variant does not alter protein structure/function; Has not been previously published as pathogenic or benign to our knowledge